The following is an entry in ClinVar:

ClinVar aggregate classification (germline): Uncertain significance (1 of 4 stars; one submission).

Allele frequency attached by ClinVar (database versions not stated): TOPMed below 0.00001.

Submission:

GeneDx
Classification: Uncertain significance. Last evaluated: 2022-05-24. Review status: criteria provided, single submitter. Criteria: GeneDx Variant Classification Process June 2021. Collection method: clinical testing. Allele origin: germline. Affected: yes.
Comment: Not observed at significant frequency in large population cohorts (gnomAD); In silico analysis supports that this missense variant does not alter protein structure/function; Has not been previously published as pathogenic or benign to our knowledge

NM_001252102.2(KIF21B):c.752G>A (p.Gly251Glu)

Gene: KIF21B (kinesin family member 21B; minus strand). Cytogenetic location: 1q32.1.
Variant type: single nucleotide variant.
Coding change: c.752G>A on transcript NM_001252102.2 (MANE Select); coding-DNA position 752, G replaced by A.
Protein change: p.Gly251Glu; replaces glycine 251 with glutamic acid.
Molecular consequence: missense variant.
Genome position (GRCh38, 1-based): chr1:201,004,914, C>T on the plus strand (G>A on the coding strand, the complement: KIF21B is on the minus strand). VCF-style: chr1-201004914-C-T. GRCh37 (hg19) VCF-style: chr1-200974042-C-T.
Other names: c.752G>A, p.Gly251Glu (NM_001252100.2, NM_001252103.2, NM_017596.4); short protein forms G251E.
Identifiers: ClinVar variation 1801011 (VCV001801011.1), dbSNP rs1284855658, ClinGen allele CA344112890.
Genomic context (GRCh38, chr1:201,004,914, plus strand): 5'-AAGTGAAACTTAGCAGTGAGTGTCTCATACTCACTCGAGGGAGGTGTACCATCAGGAAGC[C>T]CAGTCACCGCCTCATTCACCTGCAGCAGAAGTCAGCTCTGACTCACCCAGCCCTCGCCCA-3'
Protein context (NP_001239031.1, residues 241-261): QPDLVNEAVT[Gly251Glu]LPDGTPPSSE